The following is an entry in ClinVar:

ClinVar aggregate classification (germline): Conflicting classifications of pathogenicity. Review status: criteria provided, conflicting classifications (1 of 4 stars). 4 submissions from 4 submitters: Uncertain significance (1); Likely benign (3). Last evaluated 2025-02-27.

Conditions:
Inborn genetic diseases. Identifiers: MedGen C0950123, MeSH D030342.
Focal segmental glomerulosclerosis 5 (FSGS5). Identifiers: Orphanet 656, MedGen C2750475, MONDO:0013191, OMIM 613237.
Charcot-Marie-Tooth disease dominant intermediate E. Also called: CHARCOT-MARIE-TOOTH NEUROPATHY WITH FOCAL SEGMENTAL GLOMERULONEPHRITIS. Identifiers: Orphanet 93114, MedGen C4302667, MONDO:0013758, OMIM 614455.
INF2-related disorder. Also called: INF2-related condition.

Allele frequency attached by ClinVar (database versions not stated): gnomAD exomes 0.00003 and 0.00013; gnomAD 0.00004; TOPMed 0.00006; ExAC 0.00014.
gnomAD v4.1: 45 of 1,612,326 alleles (0.0028%); highest among the groups gnomAD compares: East Asian, 0.038%; no homozygotes.

Submissions (4):

Labcorp Genetics (formerly Invitae), Labcorp
Classification: Likely benign for Charcot-Marie-Tooth disease dominant intermediate E; Focal segmental glomerulosclerosis 5. Last evaluated: 2025-02-27. Review status: criteria provided, single submitter. Criteria: Invitae Variant Classification Sherloc (09022015). Collection method: clinical testing. Allele origin: germline.

PreventionGenetics, part of Exact Sciences
Classification: Likely benign for INF2-related condition. Last evaluated: 2024-10-14. Review status: criteria provided, single submitter. Criteria: ACMG Guidelines, 2015. Collection method: clinical testing. Allele origin: germline.
Comment: This variant is classified as likely benign based on ACMG/AMP sequence variant interpretation guidelines (Richards et al. 2015 PMID: 25741868, with internal and published modifications).

Ambry Genetics
Classification: Likely benign for Inborn genetic diseases. Last evaluated: 2022-05-03. Review status: criteria provided, single submitter. Criteria: Ambry Variant Classification Scheme 2023. Collection method: clinical testing. Allele origin: germline.

ARUP Laboratories, Molecular Genetics and Genomics, ARUP Laboratories
Classification: Uncertain significance. Last evaluated: 2018-11-15. Review status: criteria provided, single submitter. Criteria: ARUP Molecular Germline Variant Investigation Process. Collection method: clinical testing. Allele origin: germline.
Comment: The INF2 c.2765G>A; p.Arg922His variant (rs749197190), to our knowledge, is not reported in the medical literature or gene specific databases. This variant is found in the East Asian population with an allele frequency of 0.15% (29/19,504 alleles) in the Genome Aggregation Database. The arginine at codon 922 is weakly conserved, and computational analyses (SIFT, PolyPhen-2) predict that this variant is tolerated. Due to limited information, the clinical significance of the p.Arg922His variant is uncertain at this time.

NM_022489.4(INF2):c.2765G>A (p.Arg922His)

Gene: INF2 (inverted formin 2; plus strand). Cytogenetic location: 14q32.33.
Variant type: single nucleotide variant.
Coding change: c.2765G>A on transcript NM_022489.4 (MANE Select); coding-DNA position 2765, G replaced by A.
Protein change: p.Arg922His; replaces arginine 922 with histidine.
Molecular consequence: missense variant.
Genome position (GRCh38, 1-based): chr14:104,712,982, G>A. VCF-style: chr14-104712982-G-A. GRCh37 (hg19) VCF-style: chr14-105179319-G-A.
Other names: c.2765G>A, p.Arg922His (NM_001031714.4); short protein forms R922H.
Identifiers: ClinVar variation 811182 (VCV000811182.17), dbSNP rs749197190, ClinGen allele CA7373060.